The following is an entry in ClinVar:

ClinVar aggregate classification (germline): Uncertain significance. Review status: criteria provided, multiple submitters, no conflicts (2 of 4 stars). 4 submissions from 4 submitters: Uncertain significance (4). Last evaluated 2024-12-14.

Conditions:
Sessile serrated polyposis cancer syndrome (SSPCS). Identifiers: Orphanet 157798, MedGen C4310714, MONDO:0014919, OMIM 617108.

Allele frequency attached by ClinVar (database versions not stated): gnomAD exomes 0.00001; gnomAD 0.00002; TOPMed 0.00002.
gnomAD v4.1: 9 of 1,614,104 alleles (0.00056%); highest among the groups gnomAD compares: African/African-American, 0.004%; no homozygotes.

Submissions (4):

Ambry Genetics
Classification: Uncertain significance. Last evaluated: 2024-12-14. Review status: criteria provided, single submitter. Criteria: Ambry Variant Classification Scheme 2023. Collection method: clinical testing. Allele origin: germline.
Comment: The p.N62S variant (also known as c.185A>G), located in coding exon 1 of the RNF43 gene, results from an A to G substitution at nucleotide position 185. The asparagine at codon 62 is replaced by serine, an amino acid with highly similar properties. This amino acid position is conserved. In addition, this alteration is predicted to be tolerated by in silico analysis. Based on the available evidence, the clinical significance of this variant remains unclear.

GeneDx
Classification: Uncertain significance. Last evaluated: 2024-06-11. Review status: criteria provided, single submitter. Criteria: GeneDx Variant Classification Process June 2021. Collection method: clinical testing. Allele origin: germline. Affected: yes.
Comment: Not observed at significant frequency in large population cohorts (gnomAD); In silico analysis indicates that this missense variant does not alter protein structure/function; Has not been previously published as pathogenic or benign to our knowledge; Variants in candidate genes are classified as variants of uncertain significance in accordance with ACMG guidelines (PMID: 25741868)

Baylor Genetics
Classification: Uncertain significance for Sessile serrated polyposis cancer syndrome. Last evaluated: 2023-08-14. Review status: criteria provided, single submitter. Criteria: ACMG Guidelines, 2015. Collection method: clinical testing. Allele origin: unknown.

Mendelics
Classification: Uncertain significance. Last evaluated: 2022-05-04. Review status: criteria provided, single submitter. Criteria: Mendelics Assertion Criteria 2019. Collection method: clinical testing. Allele origin: germline.

NM_017763.6(RNF43):c.185A>G (p.Asn62Ser)

Gene: RNF43 (ring finger protein 43; minus strand). Cytogenetic location: 17q22.
Variant type: single nucleotide variant.
Coding change: c.185A>G on transcript NM_017763.6 (MANE Select); coding-DNA position 185, A replaced by G.
Protein change: p.Asn62Ser; replaces asparagine 62 with serine.
Molecular consequence: missense variant.
Genome position (GRCh38, 1-based): chr17:58,415,393, T>C on the plus strand (A>G on the coding strand, the complement: RNF43 is on the minus strand). VCF-style: chr17-58415393-T-C. GRCh37 (hg19) VCF-style: chr17-56492754-T-C.
Other names: c.185A>G, p.Asn62Ser (NM_001305544.3); c.185A>G (NM_017763.4); short protein forms N62S.
Identifiers: ClinVar variation 1685067 (VCV001685067.4), dbSNP rs1206047972, ClinGen allele CA400358131.